The following is an entry in ClinVar:

NM_030665.4(RAI1):c.1777G>T (p.Asp593Tyr)

Gene: RAI1 (retinoic acid induced 1; plus strand). Cytogenetic location: 17p11.2.
Variant type: single nucleotide variant.
Coding change: c.1777G>T on transcript NM_030665.4 (MANE Select); coding-DNA position 1777, G replaced by T.
Protein change: p.Asp593Tyr; replaces aspartic acid 593 with tyrosine.
Molecular consequence: missense variant.
Genome position (GRCh38, 1-based): chr17:17,794,725, G>T. VCF-style: chr17-17794725-G-T. GRCh37 (hg19) VCF-style: chr17-17698039-G-T.
Other names: c.1777G>T (NM_030665.3); short protein forms D593Y.
Identifiers: ClinVar variation 2435358 (VCV002435358.6), dbSNP rs2032164548, ClinGen allele CA398549175.

ClinVar aggregate classification (germline): Uncertain significance. Review status: criteria provided, multiple submitters, no conflicts (2 of 4 stars). 3 submissions from 3 submitters: Uncertain significance (3). Last evaluated 2024-07-31.

Conditions:
Smith-Magenis syndrome (SMS). Also called: CHROMOSOME 17p11.2 DELETION SYNDROME. Identifiers: Orphanet 819, MedGen C0795864, MONDO:0008434, OMIM 182290.

Allele frequency attached by ClinVar (database versions not stated): gnomAD exomes below 0.00001.

Submissions (3):

Labcorp Genetics (formerly Invitae), Labcorp
Classification: Uncertain significance. Last evaluated: 2024-07-31. Review status: criteria provided, single submitter. Criteria: Invitae Variant Classification Sherloc (09022015). Collection method: clinical testing. Allele origin: germline.
Comment: This sequence change replaces aspartic acid, which is acidic and polar, with tyrosine, which is neutral and polar, at codon 593 of the RAI1 protein (p.Asp593Tyr). This variant is not present in population databases (gnomAD no frequency). This variant has not been reported in the literature in individuals affected with RAI1-related conditions. ClinVar contains an entry for this variant (Variation ID: 2435358). Advanced modeling of protein sequence and biophysical properties (such as structural, functional, and spatial information, amino acid conservation, physicochemical variation, residue mobility, and thermodynamic stability) has been performed at Invitae for this missense variant, however the output from this modeling did not meet the statistical confidence thresholds required to predict the impact of this variant on RAI1 protein function. In summary, the available evidence is currently insufficient to determine the role of this variant in disease. Therefore, it has been classified as a Variant of Uncertain Significance.

GeneDx
Classification: Uncertain significance. Last evaluated: 2023-05-02. Review status: criteria provided, single submitter. Criteria: GeneDx Variant Classification Process June 2021. Collection method: clinical testing. Allele origin: germline. Affected: yes.
Comment: Not observed at significant frequency in large population cohorts (gnomAD); In silico analysis supports that this missense variant has a deleterious effect on protein structure/function; Has not been previously published as pathogenic or benign to our knowledge

Revvity Omics, Revvity
Classification: Uncertain significance for Smith-Magenis syndrome. Last evaluated: 2022-08-01. Review status: criteria provided, single submitter. Criteria: ACMG Guidelines, 2015. Collection method: clinical testing. Allele origin: germline.